The following is an entry in ClinVar:

NM_006648.4(WNK2):c.4549C>T (p.Pro1517Ser)

Gene: WNK2 (WNK lysine deficient protein kinase 2; plus strand). Cytogenetic location: 9q22.31.
Variant type: single nucleotide variant.
Coding change: c.4549C>T on transcript NM_006648.4 (MANE Select); coding-DNA position 4549, C replaced by T.
Protein change: p.Pro1517Ser; replaces proline 1517 with serine.
Molecular consequence: missense variant.
Genome position (GRCh38, 1-based): chr9:93,289,303, C>T. VCF-style: chr9-93289303-C-T. GRCh37 (hg19) VCF-style: chr9-96051585-C-T.
Other names: c.4660C>T, p.Pro1554Ser (NM_001282394.3); short protein forms P1554S, P1517S.
Identifiers: ClinVar variation 2539535 (VCV002539535.3), dbSNP rs751704673, ClinGen allele CA5130353.

ClinVar aggregate classification (germline): Uncertain significance (1 of 4 stars; one submission).

Allele frequency attached by ClinVar (database versions not stated): ExAC 0.00001.

Submission:

Ambry Genetics
Classification: Uncertain significance. Last evaluated: 2024-11-26. Review status: criteria provided, single submitter. Criteria: Ambry Variant Classification Scheme 2023. Collection method: clinical testing. Allele origin: germline.
Comment: The p.P1517S variant (also known as c.4549C>T), located in coding exon 19 of the WNK2 gene, results from a C to T substitution at nucleotide position 4549. The proline at codon 1517 is replaced by serine, an amino acid with similar properties. This amino acid position is conserved. In addition, this alteration is predicted to be tolerated by in silico analysis. Based on the available evidence, the clinical significance of this variant remains unclear.